The following is an entry in ClinVar:

NM_018191.4(RCBTB1):c.383del (p.Lys128fs)

Gene: RCBTB1 (RCC1 and BTB domain containing protein 1; minus strand). Cytogenetic location: 13q14.2.
Variant type: Deletion.
Coding change: c.383del on transcript NM_018191.4 (MANE Select); coding-DNA position 383, one base deleted (A; older notation c.383delA).
Protein change: p.Lys128fs; shifts the reading frame from lysine 128.
Molecular consequence: frameshift variant. On other transcripts: 5 prime UTR variant (1), non-coding transcript variant (2).
Genome position (GRCh38, 1-based): chr13:49,559,979, T deleted on the plus strand (A on the coding strand, the reverse complement: RCBTB1 is on the minus strand); the first of 2 consecutive T bases (chr13:49,559,979-49,559,980); deleting either gives the same sequence. VCF-style (leftmost placement, unchanged base first): chr13-49559978-CT-C. GRCh37 (hg19) VCF-style: chr13-50134114-CT-C.
Other names: c.383del, p.Lys128fs (NM_001352500.2, NM_001352501.2, NM_001352502.2 and 3 more transcripts); c.-227del (NM_001352506.2); short protein forms K128fs.
Identifiers: ClinVar variation 4780421 (VCV004780421.1).
Genomic context (GRCh38, chr13:49,559,978, plus strand): 5'-CTCTCCATCAGCTGCCAGAGCCATTGAATGATGTGAGCCACAAGCTACTTCCACCACTTG[CT>C]TGATCAAGAGATTGGTACAGACCTGGACGGGAGCAATGCCTTGGTTGGTCGTCCCATTCC-3'

ClinVar aggregate classification (germline): Pathogenic (1 of 4 stars; one submission).

Submission:

Labcorp Genetics (formerly Invitae), Labcorp
Classification: Pathogenic. Last evaluated: 2025-06-29. Review status: criteria provided, single submitter. Criteria: Invitae Variant Classification Sherloc (09022015). Collection method: clinical testing. Allele origin: germline.
Comment: This sequence change creates a premature translational stop signal (p.Lys128Serfs*6) in the RCBTB1 gene. It is expected to result in an absent or disrupted protein product. Loss-of-function variants in RCBTB1 are known to be pathogenic (PMID: 31494449). This variant is present in population databases (no rsID available, gnomAD 0.006%). This variant has not been reported in the literature in individuals affected with RCBTB1-related conditions. For these reasons, this variant has been classified as Pathogenic.

Literature cited by the submitters: PubMed 31494449.